The following is an entry in ClinVar:

ClinVar aggregate classification (germline): Uncertain significance. Review status: criteria provided, multiple submitters, no conflicts (2 of 4 stars). 2 submissions from 2 submitters: Uncertain significance (2). Last evaluated 2026-01-19.

Conditions:
Inborn genetic diseases. Identifiers: MedGen C0950123, MeSH D030342.

gnomAD v4.1: 1 of 1,536,380 alleles (0.000065%); highest among the groups gnomAD compares: East Asian, 0.0024%; no homozygotes.

Submissions (2):

Labcorp Genetics (formerly Invitae), Labcorp
Classification: Uncertain significance. Last evaluated: 2026-01-19. Review status: criteria provided, single submitter. Criteria: Invitae Variant Classification Sherloc (09022015). Collection method: clinical testing. Allele origin: germline.
Comment: This sequence change replaces glycine, which is neutral and non-polar, with alanine, which is neutral and non-polar, at codon 283 of the MAGEL2 protein (p.Gly283Ala). This variant is not present in population databases (gnomAD no frequency). This variant has not been reported in the literature in individuals affected with MAGEL2-related conditions. ClinVar contains an entry for this variant (Variation ID: 3542165). An algorithm developed to predict the effect of missense changes on protein structure and function outputs the following: PolyPhen-2: "Not Available". The alanine amino acid residue is found in multiple mammalian species, which suggests that this missense change does not adversely affect protein function. In summary, the available evidence is currently insufficient to determine the role of this variant in disease. Therefore, it has been classified as a Variant of Uncertain Significance.

Ambry Genetics
Classification: Uncertain significance for Inborn genetic diseases. Last evaluated: 2024-11-09. Review status: criteria provided, single submitter. Criteria: Ambry Variant Classification Scheme 2023. Collection method: clinical testing. Allele origin: germline.

NM_019066.5(MAGEL2):c.848G>C (p.Gly283Ala)

Gene: MAGEL2 (MAGE family member L2; minus strand). Cytogenetic location: 15q11.2.
Variant type: single nucleotide variant.
Coding change: c.848G>C on transcript NM_019066.5 (MANE Select); coding-DNA position 848, G replaced by C.
Protein change: p.Gly283Ala; replaces glycine 283 with alanine.
Molecular consequence: missense variant.
Genome position (GRCh38, 1-based): chr15:23,646,895, C>G on the plus strand (G>C on the coding strand, the complement: MAGEL2 is on the minus strand). VCF-style: chr15-23646895-C-G. GRCh37 (hg19) VCF-style: chr15-23892042-C-G.
Other names: short protein forms G283A.
Identifiers: ClinVar variation 3542165 (VCV003542165.3).